The following is an entry in ClinVar:

ClinVar aggregate classification (germline): Uncertain significance (1 of 4 stars; one submission).

Allele frequency attached by ClinVar (database versions not stated): gnomAD 0.00001.
gnomAD v4.1: 1 of 1,614,018 alleles (0.000062%); highest among the groups gnomAD compares: Non-Finnish European, 0.000085%; no homozygotes.

Submission:

GeneDx
Classification: Uncertain significance. Last evaluated: 2022-03-30. Review status: criteria provided, single submitter. Criteria: GeneDx Variant Classification Process June 2021. Collection method: clinical testing. Allele origin: germline. Affected: yes.
Comment: Not observed at significant frequency in large population cohorts (gnomAD); In silico analysis supports that this missense variant has a deleterious effect on protein structure/function; Has not been previously published as pathogenic or benign to our knowledge

NM_001386135.1(AFF3):c.3246C>G (p.His1082Gln)

Gene: AFF3 (ALF transcription elongation factor 3; minus strand). Cytogenetic location: 2q11.2.
Variant type: single nucleotide variant.
Coding change: c.3246C>G on transcript NM_001386135.1 (MANE Select); coding-DNA position 3246, C replaced by G.
Protein change: p.His1082Gln; replaces histidine 1082 with glutamine.
Molecular consequence: missense variant.
Genome position (GRCh38, 1-based): chr2:99,558,914, G>C on the plus strand (C>G on the coding strand, the complement: AFF3 is on the minus strand). VCF-style: chr2-99558914-G-C. GRCh37 (hg19) VCF-style: chr2-100175376-G-C.
Other names: c.3321C>G, p.His1107Gln (NM_001025108.2); c.3246C>G, p.His1082Gln (NM_002285.3); short protein forms H1082Q, H1107Q.
Identifiers: ClinVar variation 1707804 (VCV001707804.2), dbSNP rs1036133464, ClinGen allele CA52732952.
Genomic context (GRCh38, chr2:99,558,914, plus strand): 5'-TGCTCATTCACTAGACAGTACCTTGAAATAGTCGATTAGTGCTTTTGAATACTTTACAGC[G>C]TGGTCCCTTTTGAGTCGAAACATCCGCCAGTACAGGAGGGCCAGGCATCGGTAACTGCAG-3'
Protein context (NP_001373064.1, residues 1072-1092): YWRMFRLKRD[His1082Gln]AVKYSKALID